The following is an entry in ClinVar:

NM_019098.5(CNGB3):c.1461G>A (p.Trp487Ter)

Gene: CNGB3 (cyclic nucleotide gated channel subunit beta 3; minus strand). Cytogenetic location: 8q21.3.
Variant type: single nucleotide variant.
Coding change: c.1461G>A on transcript NM_019098.5 (MANE Select); coding-DNA position 1461, G replaced by A.
Protein change: p.Trp487Ter; replaces tryptophan 487 with a stop codon.
Molecular consequence: nonsense.
Genome position (GRCh38, 1-based): chr8:86,628,938, C>T on the plus strand (G>A on the coding strand, the complement: CNGB3 is on the minus strand). VCF-style: chr8-86628938-C-T. GRCh37 (hg19) VCF-style: chr8-87641166-C-T.
Other names: short protein forms W487*.
Identifiers: ClinVar variation 1432544 (VCV001432544.7), dbSNP rs1822903424, ClinGen allele CA371443118.
Genomic context (GRCh38, chr8:86,628,938, plus strand): 5'-CAAGGTTTACAGGAATTTAATCGGTAATCTGCCATGCTTACCTAGCATTCTTTGAGAGTC[C>T]CATGTATATTCATACCAAGTCCGAACTCGCTTTTGCACAAGTTTAGGAATGGAGTAATTG-3'

ClinVar aggregate classification (germline): Pathogenic. Review status: criteria provided, multiple submitters, no conflicts (2 of 4 stars). 2 submissions from 2 submitters: Pathogenic (2). Last evaluated 2022-12-19.

Conditions:
CNGB3-related disorder. Also called: CNGB3-related condition; CNGB3-related disorders. Identifiers: MedGen CN239340.

Submissions (2):

Blueprint Genetics
Classification: Pathogenic for CNGB3-related disorders. Last evaluated: 2022-12-19. Review status: criteria provided, single submitter. Criteria: ACMG Guidelines, 2015. Collection method: clinical testing. Allele origin: germline. Affected: yes. Observed: 2 variant alleles.

Labcorp Genetics (formerly Invitae), Labcorp
Classification: Pathogenic. Last evaluated: 2021-08-23. Review status: criteria provided, single submitter. Criteria: Invitae Variant Classification Sherloc (09022015). Collection method: clinical testing. Allele origin: germline.
Comment: This sequence change creates a premature translational stop signal (p.Trp487*) in the CNGB3 gene. It is expected to result in an absent or disrupted protein product. Loss-of-function variants in CNGB3 are known to be pathogenic (PMID: 28795510). This variant is not present in population databases (ExAC no frequency). This premature translational stop signal has been observed in individual(s) with achromatopsia (PMID: 12187429). For these reasons, this variant has been classified as Pathogenic.

Literature cited by the submitters: PubMed 28795510 (cited by Labcorp Genetics (formerly Invitae), Labcorp); PubMed 12187429 (cited by Labcorp Genetics (formerly Invitae), Labcorp).